The following is an entry in ClinVar:

ClinVar aggregate classification (germline): Uncertain significance (1 of 4 stars; one submission).

Conditions:
Noonan syndrome 10 (NS10). Identifiers: Orphanet 648, MedGen C4225280, MONDO:0014693, OMIM 616564.

Submission:

Victorian Clinical Genetics Services, Murdoch Childrens Research Institute
Classification: Uncertain significance for Noonan syndrome 10. Last evaluated: 2024-12-02. Review status: criteria provided, single submitter. Criteria: ACMG Guidelines, 2015. Collection method: clinical testing. Allele origin: germline. Affected: yes.
Comment: This variant is classified as VUS-3A. Evidence in support of pathogenic classification: Variant is absent from gnomAD (v2, v3 and v4); Additional information: Variant is predicted to result in a missense amino acid change from methionine to leucine; This variant is heterozygous; This gene is associated with both recessive and dominant disease; Alternative amino acid change(s) at the same position are present in gnomAD (Highest alelle count: v4: 3 heterozygote(s), 0 homozygote(s)); This variant has no previous evidence of pathogenicity; No published segregation evidence has been identified for this variant; No published functional evidence has been identified for this variant; Other missense variant(s) comparable to the one identified in this case have inconclusive previous evidence for pathogenicity. p.(Met734Val), p.(Met734Lys), and p.(Met734Arg) have been classified as variants of uncertain significance (ClinVar); Variant is located in the annotated BTB/POZ domain (DECIPHER); Missense variant with inconclusive in silico prediction and uninformative conservation; Loss of function is a known mechanism of disease in this gene and is associated with autosomal recessive Noonan syndrome 2 (MIM#605275). Dominant negative is the mechanism suspected for autosomal dominant Noonan syndrome 10 (MIM#616564).

NM_006767.4(LZTR1):c.2200A>T (p.Met734Leu)

Gene: LZTR1 (leucine zipper like post translational regulator 1; plus strand). Cytogenetic location: 22q11.21.
Variant type: single nucleotide variant.
Coding change: c.2200A>T on transcript NM_006767.4 (MANE Select); coding-DNA position 2200, A replaced by T.
Protein change: p.Met734Leu; replaces methionine 734 with leucine.
Molecular consequence: missense variant.
Genome position (GRCh38, 1-based): chr22:20,996,093, A>T. VCF-style: chr22-20996093-A-T. GRCh37 (hg19) VCF-style: chr22-21350382-A-T.
Other names: short protein forms M734L.
Identifiers: ClinVar variation 4531820 (VCV004531820.1).